The following is an entry in ClinVar:

ClinVar aggregate classification (germline): Uncertain significance (1 of 4 stars; one submission).

Conditions:
Congenital myasthenic syndrome 8. Also called: MYASTHENIC SYNDROME, CONGENITAL, DUE TO AGRIN DEFICIENCY; Myasthenic syndrome, congenital, 8, with pre- and postsynaptic defects. Identifiers: Orphanet 590, MedGen C3808739, MONDO:0014052, OMIM 615120.

Submission:

Labcorp Genetics (formerly Invitae), Labcorp
Classification: Uncertain significance for Congenital myasthenic syndrome 8. Last evaluated: 2022-04-20. Review status: criteria provided, single submitter. Criteria: Invitae Variant Classification Sherloc (09022015). Collection method: clinical testing. Allele origin: germline.
Comment: This variant has not been reported in the literature in individuals affected with AGRN-related conditions. In summary, the available evidence is currently insufficient to determine the role of this variant in disease. Therefore, it has been classified as a Variant of Uncertain Significance. Algorithms developed to predict the effect of sequence changes on RNA splicing suggest that this variant may disrupt the consensus splice site. Algorithms developed to predict the effect of missense changes on protein structure and function are either unavailable or do not agree on the potential impact of this missense change (SIFT: "Deleterious"; PolyPhen-2: "Probably Damaging"; Align-GVGD: "Class C0"). This variant is not present in population databases (gnomAD no frequency). This sequence change replaces lysine, which is basic and polar, with arginine, which is basic and polar, at codon 1158 of the AGRN protein (p.Lys1158Arg).

NM_198576.4(AGRN):c.3473A>G (p.Lys1158Arg)

Gene: AGRN (agrin; plus strand). Cytogenetic location: 1p36.33.
Variant type: single nucleotide variant.
Coding change: c.3473A>G on transcript NM_198576.4 (MANE Select); coding-DNA position 3473, A replaced by G.
Protein change: p.Lys1158Arg; replaces lysine 1158 with arginine.
Molecular consequence: missense variant.
Genome position (GRCh38, 1-based): chr1:1,047,411, A>G. VCF-style: chr1-1047411-A-G. GRCh37 (hg19) VCF-style: chr1-982791-A-G.
Other names: c.3473A>G, p.Lys1158Arg (NM_001305275.2); c.3158A>G, p.Lys1053Arg (NM_001364727.2); short protein forms K1158R, K1053R.
Identifiers: ClinVar variation 2124971 (VCV002124971.4), dbSNP rs1645129961, ClinGen allele CA337849385.